The following is an entry in ClinVar:

ClinVar aggregate classification (germline): Likely benign. Review status: criteria provided, multiple submitters, no conflicts (2 of 4 stars). 3 submissions from 3 submitters: Likely benign (2). 1 of the submissions does not count toward it. Last evaluated 2024-09-19.

Conditions:
GTPBP3-related disorder. Also called: GTPBP3-related condition.

Allele frequency attached by ClinVar (database versions not stated): ExAC 0.00020; gnomAD exomes 0.00028 and 0.00079; gnomAD 0.00033; TOPMed 0.00046; ESP Exome Variant Server 0.00054.
gnomAD v4.1: 1,194 of 1,561,306 alleles (0.076%); highest among the groups gnomAD compares: Non-Finnish European, 0.096%; 3 homozygotes.

Submissions (3):

Blueprint Genetics
Classification: Likely benign. Last evaluated: 2024-09-19. Review status: criteria provided, single submitter. Criteria: ACMG Guidelines, 2015. Collection method: clinical testing. Allele origin: germline.

GeneDx
Classification: Likely benign. Last evaluated: 2021-03-27. Review status: criteria provided, single submitter. Criteria: GeneDx Variant Classification Process June 2021. Collection method: clinical testing. Allele origin: germline. Affected: yes.

PreventionGenetics, part of Exact Sciences
Classification: Likely benign for GTPBP3-related condition. Last evaluated: 2020-08-03. Review status: no assertion criteria provided. Collection method: clinical testing. Allele origin: germline. Not counted in ClinVar's aggregate classification.
Comment: This variant is classified as likely benign based on ACMG/AMP sequence variant interpretation guidelines (Richards et al. 2015 PMID: 25741868, with internal and published modifications).

NM_032620.4(GTPBP3):c.*6T>C

Gene: GTPBP3 (GTP binding protein 3, mitochondrial; plus strand). Cytogenetic location: 19p13.11.
Variant type: single nucleotide variant.
Coding change: c.*6T>C on transcript NM_032620.4 (MANE Select); 6 bases downstream of the stop codon, T replaced by C.
Molecular consequence: 3 prime UTR variant.
Genome position (GRCh38, 1-based): chr19:17,341,709, T>C. VCF-style: chr19-17341709-T-C. GRCh37 (hg19) VCF-style: chr19-17452518-T-C.
Other names: c.*6T>C (NM_001128855.3, NM_001195422.1, NM_133644.4).
Identifiers: ClinVar variation 387765 (VCV000387765.5), dbSNP rs200011595, ClinGen allele CA9293743.